The following is an entry in ClinVar:

ClinVar aggregate classification (germline): Uncertain significance (1 of 4 stars; one submission).

Conditions:
Familial hypobetalipoproteinemia 1. Also called: APOB-Related Familial Hypobetalipoproteinemia; Hypobetalipoproteinemia, normotriglyceridemic; Acanthocytosis with hypobetalipoproteinemia. Identifiers: MedGen C4551990, MONDO:0014252, OMIM 615558.
Hypercholesterolemia, autosomal dominant, type B (FHCL2). Also called: Familial Hypercholesterolemia Type B; APOLIPOPROTEIN B-100, FAMILIAL DEFECTIVE; APOLIPOPROTEIN B-100, FAMILIAL LIGAND-DEFECTIVE; HYPERCHOLESTEROLEMIA, FAMILIAL, DUE TO LIGAND-DEFECTIVE APOLIPOPROTEIN B; Familial hypercholesterolemia 2; Hyperlipoproteinemia Type IIb. Identifiers: MedGen C1704417, MONDO:0007751, OMIM 144010.

Submission:

Labcorp Genetics (formerly Invitae), Labcorp
Classification: Uncertain significance for Familial hypobetalipoproteinemia 1; Hypercholesterolemia, autosomal dominant, type B. Last evaluated: 2021-08-18. Review status: criteria provided, single submitter. Criteria: Invitae Variant Classification Sherloc (09022015). Collection method: clinical testing. Allele origin: germline.
Comment: This variant is not present in population databases (ExAC no frequency). This sequence change replaces aspartic acid with glycine at codon 3319 of the APOB protein (p.Asp3319Gly). The aspartic acid residue is moderately conserved and there is a moderate physicochemical difference between aspartic acid and glycine. This variant has not been reported in the literature in individuals affected with APOB-related conditions. Algorithms developed to predict the effect of missense changes on protein structure and function are either unavailable or do not agree on the potential impact of this missense change (SIFT: "Tolerated"; PolyPhen-2: "Possibly Damaging"; Align-GVGD: "Class C0"). In summary, the available evidence is currently insufficient to determine the role of this variant in disease. Therefore, it has been classified as a Variant of Uncertain Significance.

NM_000384.3(APOB):c.9956A>G (p.Asp3319Gly)

Gene: APOB (apolipoprotein B; minus strand). Cytogenetic location: 2p24.1.
Variant type: single nucleotide variant.
Coding change: c.9956A>G on transcript NM_000384.3 (MANE Select); coding-DNA position 9956, A replaced by G.
Protein change: p.Asp3319Gly; replaces aspartic acid 3319 with glycine.
Molecular consequence: missense variant.
Genome position (GRCh38, 1-based): chr2:21,006,912, T>C on the plus strand (A>G on the coding strand, the complement: APOB is on the minus strand). VCF-style: chr2-21006912-T-C. GRCh37 (hg19) VCF-style: chr2-21229784-T-C.
Other names: short protein forms D3319G.
Identifiers: ClinVar variation 1437399 (VCV001437399.6), dbSNP rs2103352414, ClinGen allele CA345988173.